The following is an entry in ClinVar:

ClinVar aggregate classification (germline): Uncertain significance. Review status: criteria provided, multiple submitters, no conflicts (2 of 4 stars). 2 submissions from 2 submitters: Uncertain significance (2). Last evaluated 2025-09-13.

Conditions:
Inborn genetic diseases. Identifiers: MedGen C0950123, MeSH D030342.

Allele frequency attached by ClinVar (database versions not stated): gnomAD 0.00001; gnomAD exomes 0.00001; TOPMed 0.00001; ExAC 0.00003.

Submissions (2):

Labcorp Genetics (formerly Invitae), Labcorp
Classification: Uncertain significance. Last evaluated: 2025-09-13. Review status: criteria provided, single submitter. Criteria: Invitae Variant Classification Sherloc (09022015). Collection method: clinical testing. Allele origin: germline.
Comment: This sequence change replaces arginine, which is basic and polar, with tryptophan, which is neutral and slightly polar, at codon 315 of the ACAN protein (p.Arg315Trp). This variant is present in population databases (rs771427434, gnomAD 0.003%). This variant has not been reported in the literature in individuals affected with ACAN-related conditions. ClinVar contains an entry for this variant (Variation ID: 1492315). Invitae Evidence Modeling of protein sequence and biophysical properties (such as structural, functional, and spatial information, amino acid conservation, physicochemical variation, residue mobility, and thermodynamic stability) indicates that this missense variant is not expected to disrupt ACAN protein function with a negative predictive value of 80%. In summary, the available evidence is currently insufficient to determine the role of this variant in disease. Therefore, it has been classified as a Variant of Uncertain Significance.

Ambry Genetics
Classification: Uncertain significance for Inborn genetic diseases. Last evaluated: 2024-02-13. Review status: criteria provided, single submitter. Criteria: Ambry Variant Classification Scheme 2023. Collection method: clinical testing. Allele origin: germline.

NM_001369268.1(ACAN):c.943C>T (p.Arg315Trp)

Gene: ACAN (aggrecan; plus strand). Cytogenetic location: 15q26.1.
Variant type: single nucleotide variant.
Coding change: c.943C>T on transcript NM_001369268.1 (MANE Select); coding-DNA position 943, C replaced by T.
Protein change: p.Arg315Trp; replaces arginine 315 with tryptophan.
Molecular consequence: missense variant.
Genome position (GRCh38, 1-based): chr15:88,843,540, C>T. VCF-style: chr15-88843540-C-T. GRCh37 (hg19) VCF-style: chr15-89386771-C-T.
Other names: c.943C>T, p.Arg315Trp (NM_001135.4, NM_013227.4); c.943C>T (NM_013227.3); short protein forms R315W.
Identifiers: ClinVar variation 1492315 (VCV001492315.9), dbSNP rs771427434, ClinGen allele CA7719407.